The following is an entry in ClinVar:

NM_144701.3(IL23R):c.1534C>T (p.Pro512Ser)

Gene: IL23R (interleukin 23 receptor; plus strand). Cytogenetic location: 1p31.3.
Variant type: single nucleotide variant.
Coding change: c.1534C>T on transcript NM_144701.3 (MANE Select); coding-DNA position 1534, C replaced by T.
Protein change: p.Pro512Ser; replaces proline 512 with serine.
Molecular consequence: missense variant.
Genome position (GRCh38, 1-based): chr1:67,258,772, C>T. VCF-style: chr1-67258772-C-T. GRCh37 (hg19) VCF-style: chr1-67724455-C-T.
Other names: short protein forms P512S.
Identifiers: ClinVar variation 2078087 (VCV002078087.4), dbSNP rs2525562487, ClinGen allele CA340728663.

ClinVar aggregate classification (germline): Uncertain significance (1 of 4 stars; one submission).

Submission:

Labcorp Genetics (formerly Invitae), Labcorp
Classification: Uncertain significance. Last evaluated: 2022-01-08. Review status: criteria provided, single submitter. Criteria: Invitae Variant Classification Sherloc (09022015). Collection method: clinical testing. Allele origin: germline.
Comment: In summary, the available evidence is currently insufficient to determine the role of this variant in disease. Therefore, it has been classified as a Variant of Uncertain Significance. Algorithms developed to predict the effect of missense changes on protein structure and function output the following: SIFT: "Tolerated"; PolyPhen-2: "Probably Damaging"; Align-GVGD: "Class C0". The serine amino acid residue is found in multiple mammalian species, which suggests that this missense change does not adversely affect protein function. This variant has not been reported in the literature in individuals affected with IL23R-related conditions. This variant is not present in population databases (gnomAD no frequency). This sequence change replaces proline, which is neutral and non-polar, with serine, which is neutral and polar, at codon 512 of the IL23R protein (p.Pro512Ser).